The following is an entry in ClinVar:

NM_001128840.3(CACNA1D):c.847A>C (p.Ile283Leu)

Gene: CACNA1D (calcium voltage-gated channel subunit alpha1 D; plus strand). Cytogenetic location: 3p21.1.
Variant type: single nucleotide variant.
Coding change: c.847A>C on transcript NM_001128840.3 (MANE Select); coding-DNA position 847, A replaced by C.
Protein change: p.Ile283Leu; replaces isoleucine 283 with leucine.
Molecular consequence: missense variant.
Genome position (GRCh38, 1-based): chr3:53,665,740, A>C. VCF-style: chr3-53665740-A-C. GRCh37 (hg19) VCF-style: chr3-53699767-A-C.
Other names: c.847A>C, p.Ile283Leu (NM_000720.4, NM_001128839.3); short protein forms I283L.
Identifiers: ClinVar variation 1406627 (VCV001406627.8), dbSNP rs754201031, ClinGen allele CA2453772.
Genomic context (GRCh38, chr3:53,665,740, plus strand): 5'-TCCATTATAAAAGCCATGGTTCCCCTCCTTCACATAGCCCTTTTGGTATTATTTGTAATC[A>C]TAATCTATGCTATTATAGGATTGGAACTTTTTATTGGAAAAATGCACAAAACATGTTTTT-3'
Protein context (NP_001122312.1, residues 273-293): HIALLVLFVI[Ile283Leu]IYAIIGLELF

ClinVar aggregate classification (germline): Uncertain significance (1 of 4 stars; one submission).

Allele frequency attached by ClinVar (database versions not stated): ExAC 0.00001; gnomAD exomes below 0.00001.
gnomAD v4.1: 1 of 1,607,756 alleles (0.000062%); highest among the groups gnomAD compares: Non-Finnish European, 0.000085%; no homozygotes.

Submission:

Labcorp Genetics (formerly Invitae), Labcorp
Classification: Uncertain significance. Last evaluated: 2025-09-16. Review status: criteria provided, single submitter. Criteria: Invitae Variant Classification Sherloc (09022015). Collection method: clinical testing. Allele origin: germline.
Comment: This sequence change replaces isoleucine, which is neutral and non-polar, with leucine, which is neutral and non-polar, at codon 283 of the CACNA1D protein (p.Ile283Leu). This variant is present in population databases (rs754201031, gnomAD 0.0009%). This variant has not been reported in the literature in individuals affected with CACNA1D-related conditions. ClinVar contains an entry for this variant (Variation ID: 1406627). Invitae Evidence Modeling of protein sequence and biophysical properties (such as structural, functional, and spatial information, amino acid conservation, physicochemical variation, residue mobility, and thermodynamic stability) indicates that this missense variant is not expected to disrupt CACNA1D protein function with a negative predictive value of 80%. In summary, the available evidence is currently insufficient to determine the role of this variant in disease. Therefore, it has been classified as a Variant of Uncertain Significance.